The following is an entry in ClinVar:

ClinVar aggregate classification (germline): Pathogenic. Review status: criteria provided, multiple submitters, no conflicts (2 of 4 stars). 3 submissions from 3 submitters: Pathogenic (3). Last evaluated 2025-11-11.

Conditions:
PCNT-related disorder. Also called: PCNT-related condition.
Microcephalic osteodysplastic primordial dwarfism type II (MOPD2). Also called: Microcephalic osteodysplastic primordial dwarfism with tooth abnormalities; MOPD II; OSTEODYSPLASTIC PRIMORDIAL DWARFISM, TYPE II. Identifiers: Orphanet 2637, MedGen C0432246, MONDO:0008872, OMIM 210720.

Submissions (3):

PreventionGenetics, part of Exact Sciences
Classification: Pathogenic for PCNT-related condition. Last evaluated: 2025-11-11. Review status: criteria provided, single submitter. Criteria: ACMG Guidelines, 2015. Collection method: clinical testing. Allele origin: germline.
Comment: The PCNT c.3019_3020delCT variant is predicted to result in a frameshift and premature protein termination (p.Leu1007Serfs*50). This variant was reported in the homozygous state in an individual with microcephalic osteodysplastic primordial dwarfism type II (Petraroli et al. 2023. PubMed ID: 37234811) and in an individual with osteodysplastic primordial dwarfism type II (reported as c.3015_3016delCT, Supplemental Table 1, Bober et al. 2012. PubMed ID: 22821869). This variant is reported in 0.0018% of alleles in individuals of European (Non-Finnish) descent in gnomAD. Frameshift variants in PCNT are expected to be pathogenic. This variant is interpreted as pathogenic.

Labcorp Genetics (formerly Invitae), Labcorp
Classification: Pathogenic. Last evaluated: 2024-08-12. Review status: criteria provided, single submitter. Criteria: Invitae Variant Classification Sherloc (09022015). Collection method: clinical testing. Allele origin: germline.
Comment: This sequence change creates a premature translational stop signal (p.Leu1007Serfs*50) in the PCNT gene. It is expected to result in an absent or disrupted protein product. Loss-of-function variants in PCNT are known to be pathogenic (PMID: 18174396, 22821869). This variant is present in population databases (rs764602074, gnomAD 0.002%). This premature translational stop signal has been observed in individual(s) with microcephalic osteodysplastic primordial dwarfism (PMID: 18174396). This variant is also known as c.3015_3016delCT. For these reasons, this variant has been classified as Pathogenic.

Fulgent Genetics
Classification: Pathogenic for Microcephalic osteodysplastic primordial dwarfism type II. Last evaluated: 2024-06-15. Review status: criteria provided, single submitter. Criteria: ACMG Guidelines, 2015. Collection method: clinical testing. Allele origin: germline.

Literature cited by the submitters: PubMed 18174396 (cited by Labcorp Genetics (formerly Invitae), Labcorp); PubMed 22821869 (cited by Labcorp Genetics (formerly Invitae), Labcorp).

NM_006031.6(PCNT):c.3019_3020del (p.Leu1007fs)

Gene: PCNT (pericentrin; plus strand). Cytogenetic location: 21q22.3.
Variant type: Microsatellite.
Coding change: c.3019_3020del on transcript NM_006031.6 (MANE Select); coding-DNA positions 3019 to 3020, 2 bases deleted (CT; older notation c.3019_3020delCT).
Protein change: p.Leu1007fs; shifts the reading frame from leucine 1007.
Molecular consequence: frameshift variant.
Genome position (GRCh38, 1-based): chr21:46,366,993-46,366,994, CT deleted; deleting any 2 consecutive bases within chr21:46,366,989-46,366,994 gives the same sequence; the c. name uses the placement nearest the transcript's 3' end. VCF-style (leftmost placement, unchanged base first): chr21-46366988-ACT-A. GRCh37 (hg19) VCF-style: chr21-47786903-ACT-A.
Other names: c.3019_3020delCT (NM_006031.5); c.2665_2666del, p.Leu889fs (NM_001315529.2); short protein forms L1007fs, L889fs.
Identifiers: ClinVar variation 1455235 (VCV001455235.8), dbSNP rs764602074, ClinGen allele CA10079148.
Genomic context (GRCh38, chr21:46,366,988, plus strand): 5'-AGCACAGGCAGGCCCTAGAGCTCTTACGAGCAGACTTTGAGGAACAACTGTGGAAAAAGG[ACT>A]CTCTTCACCAAACGATTTTGACTCAAGAGTTGGAGAAACTGAAGCGGAAACACGAAGGGG-3'